The following is an entry in ClinVar:

ClinVar aggregate classification (germline): Uncertain significance (1 of 4 stars; one submission).

Conditions:
Dilated cardiomyopathy 1DD (CMD1DD). Identifiers: Orphanet 154, MedGen C2750995, MONDO:0013168, OMIM 613172.

Allele frequency attached by ClinVar (database versions not stated): gnomAD exomes below 0.00001; TOPMed 0.00001.
gnomAD v4.1: 1 of 1,547,966 alleles (0.000065%); highest among the groups gnomAD compares: Non-Finnish European, 0.000087%; no homozygotes.

Submission:

Labcorp Genetics (formerly Invitae), Labcorp
Classification: Uncertain significance for Dilated cardiomyopathy 1DD. Last evaluated: 2021-07-26. Review status: criteria provided, single submitter. Criteria: Invitae Variant Classification Sherloc (09022015). Collection method: clinical testing. Allele origin: germline.
Comment: This sequence change replaces glutamic acid with glycine at codon 1122 of the RBM20 protein (p.Glu1122Gly). The glutamic acid residue is weakly conserved and there is a moderate physicochemical difference between glutamic acid and glycine. This variant is not present in population databases (ExAC no frequency). This variant has not been reported in the literature in individuals affected with RBM20-related conditions. Advanced modeling of protein sequence and biophysical properties (such as structural, functional, and spatial information, amino acid conservation, physicochemical variation, residue mobility, and thermodynamic stability) performed at Invitae indicates that this missense variant is not expected to disrupt RBM20 protein function. In summary, the available evidence is currently insufficient to determine the role of this variant in disease. Therefore, it has been classified as a Variant of Uncertain Significance.

NM_001134363.3(RBM20):c.3365A>G (p.Glu1122Gly)

Gene: RBM20 (RNA binding motif protein 20; plus strand). Cytogenetic location: 10q25.2.
Variant type: single nucleotide variant.
Coding change: c.3365A>G on transcript NM_001134363.3 (MANE Select); coding-DNA position 3365, A replaced by G.
Protein change: p.Glu1122Gly; replaces glutamic acid 1122 with glycine.
Molecular consequence: missense variant.
Genome position (GRCh38, 1-based): chr10:110,823,528, A>G. VCF-style: chr10-110823528-A-G. GRCh37 (hg19) VCF-style: chr10-112583286-A-G.
Other names: short protein forms E1122G.
Identifiers: ClinVar variation 1446213 (VCV001446213.7), dbSNP rs762399453, ClinGen allele CA213231039.
Genomic context (GRCh38, chr10:110,823,528, plus strand): 5'-CATGTTTTGCAGAAAACTCCAGGTACGTGGAAATGAAATCTCTGGAGGTGAGGTCACCAG[A>G]GTACACTGAAGTGGAACTGAAACAGCCCCTTTCTTTGCCCTCTTGGGAACCAGAGGATGT-3'
Protein context (NP_001127835.2, residues 1112-1132): EMKSLEVRSP[Glu1122Gly]YTEVELKQPL